The following is an entry in ClinVar:

ClinVar aggregate classification (germline): Likely benign. Review status: criteria provided, multiple submitters, no conflicts (2 of 4 stars). 2 submissions from 2 submitters: Likely benign (2). Last evaluated 2026-04-06.

Conditions:
DSG1-related disorder. Also called: DSG1-related condition.

Allele frequency attached by ClinVar (database versions not stated): gnomAD exomes 0.00011; ExAC 0.00016; TOPMed 0.00042; ESP Exome Variant Server 0.00046; gnomAD 0.00047 and 0.00048; 1000 Genomes Project 0.00060; 1000 Genomes Project 30x 0.00109.
gnomAD v4.1: 235 of 1,614,174 alleles (0.015%); highest among the groups gnomAD compares: African/African-American, 0.15%; no homozygotes.

Submissions (2):

PreventionGenetics, part of Exact Sciences
Classification: Likely benign for DSG1-related condition. Last evaluated: 2026-04-06. Review status: criteria provided, single submitter. Criteria: ACMG Guidelines, 2015. Collection method: clinical testing. Allele origin: germline.
Comment: This variant is classified as likely benign based on ACMG/AMP sequence variant interpretation guidelines (Richards et al. 2015 PMID: 25741868, with internal and published modifications).

Labcorp Genetics (formerly Invitae), Labcorp
Classification: Likely benign. Last evaluated: 2025-12-31. Review status: criteria provided, single submitter. Criteria: Invitae Variant Classification Sherloc (09022015). Collection method: clinical testing. Allele origin: germline.

NM_001942.4(DSG1):c.2793C>T (p.Ser931=)

Genes: DSG1 (desmoglein 1; plus strand), DSG1-AS1 (DSG1 antisense RNA 1; minus strand). Cytogenetic location: 18q12.1.
Variant type: single nucleotide variant.
Coding change: c.2793C>T on transcript NM_001942.4 (MANE Select); coding-DNA position 2793, C replaced by T.
Protein change: p.Ser931=; no amino-acid change (serine 931 retained).
Molecular consequence: synonymous variant.
Genome position (GRCh38, 1-based): chr18:31,354,989, C>T. VCF-style: chr18-31354989-C-T. GRCh37 (hg19) VCF-style: chr18-28934952-C-T.
Other names: c.2793C>T (NM_001942.3).
Identifiers: ClinVar variation 1146870 (VCV001146870.10), dbSNP rs147922509, ClinGen allele CA8926444.
Genomic context (GRCh38, chr18:31,354,989, plus strand): 5'-CCATCATCCTAGAGAGTCTTCAAATGTGGTAGTGACAGAAAGAGTAATCCAACCAACTTC[C>T]GGCATGATAGGTAGTCTGAGTATGCACCCCGAGTTAGCCAATGCCCACAATGTCATTGTG-3'
Protein context (NP_001933.2, residues 921-941): VVTERVIQPT[Ser931=]GMIGSLSMHP